The following is an entry in ClinVar:

NM_000760.4(CSF3R):c.1003del (p.Thr335fs)

Gene: CSF3R (colony stimulating factor 3 receptor; minus strand). Cytogenetic location: 1p34.3.
Variant type: Deletion.
Coding change: c.1003del on transcript NM_000760.4 (MANE Select); coding-DNA position 1003, one base deleted (A; older notation c.1003delA).
Protein change: p.Thr335fs; shifts the reading frame from threonine 335.
Molecular consequence: frameshift variant.
Genome position (GRCh38, 1-based): chr1:36,472,134, T deleted on the plus strand (A on the coding strand, the reverse complement: CSF3R is on the minus strand). VCF-style (leftmost placement, unchanged base first): chr1-36472133-GT-G. GRCh37 (hg19) VCF-style: chr1-36937734-GT-G.
Other names: c.1003del, p.Thr335fs (NM_156039.3, NM_172313.3); short protein forms T335fs.
Identifiers: ClinVar variation 2041994 (VCV002041994.4), dbSNP rs2521788066, ClinGen allele CA2580062696.

ClinVar aggregate classification (germline): Pathogenic (1 of 4 stars; one submission).

Conditions:
Autosomal recessive severe congenital neutropenia due to CSF3R deficiency. Also called: Neutropenia, severe congenital, 7, autosomal recessive. Identifiers: Orphanet 420702, MedGen C4310764, MONDO:0014865, OMIM 617014.

Submission:

Labcorp Genetics (formerly Invitae), Labcorp
Classification: Pathogenic for Autosomal recessive severe congenital neutropenia due to CSF3R deficiency. Last evaluated: 2023-10-03. Review status: criteria provided, single submitter. Criteria: Invitae Variant Classification Sherloc (09022015). Collection method: clinical testing. Allele origin: germline.
Comment: This sequence change creates a premature translational stop signal (p.Thr335Leufs*98) in the CSF3R gene. It is expected to result in an absent or disrupted protein product. Loss-of-function variants in CSF3R are known to be pathogenic (PMID: 24753537, 26324699). This variant is not present in population databases (gnomAD no frequency). This variant has not been reported in the literature in individuals affected with CSF3R-related conditions. ClinVar contains an entry for this variant (Variation ID: 2041994). For these reasons, this variant has been classified as Pathogenic.

Literature cited by the submitters: PubMed 24753537; PubMed 26324699.